The following is an entry in ClinVar:

ClinVar aggregate classification (germline): Uncertain significance. Review status: criteria provided, multiple submitters, no conflicts (2 of 4 stars). 3 submissions from 3 submitters: Uncertain significance (3). Last evaluated 2025-02-27.

Conditions:
Hereditary breast ovarian cancer syndrome. Also called: Hereditary breast and ovarian cancer syndrome (HBOC); BRCA1- and BRCA2-Associated Hereditary Breast and Ovarian Cancer; Hereditary breast and ovarian cancer syndrome; Breast and ovarian cancer; Hereditary breast and ovarian cancer; Hereditary breast and/or ovarian cancer syndrome. Identifiers: Orphanet 145, MedGen C0677776, MeSH D061325, MONDO:0003582. Disease mechanism: loss of function.
Hereditary cancer-predisposing syndrome. Also called: Hereditary neoplastic syndrome; Neoplastic Syndromes, Hereditary; Tumor predisposition; Hereditary Cancer Syndrome. Identifiers: Orphanet 140162, MedGen C0027672, MeSH D009386, MONDO:0015356.
BRCA2-related cancer predisposition. Identifiers: MedGen CN377758, MONDO:0700269.

Submissions (3):

Ambry Genetics
Classification: Uncertain significance for Hereditary cancer-predisposing syndrome. Last evaluated: 2025-02-27. Review status: criteria provided, single submitter. Criteria: Ambry Variant Classification Scheme 2023. Collection method: clinical testing. Allele origin: germline.
Comment: The p.G2812R variant (also known as c.8434G>A), located in coding exon 18 of the BRCA2 gene, results from a G to A substitution at nucleotide position 8434. The glycine at codon 2812 is replaced by arginine, an amino acid with dissimilar properties. This amino acid position is highly conserved in available vertebrate species. In addition, this alteration is predicted to be deleterious by in silico analysis. Based on the available evidence, the clinical significance of this variant remains unclear.

Labcorp Genetics (formerly Invitae), Labcorp
Classification: Uncertain significance for Hereditary breast ovarian cancer syndrome. Last evaluated: 2024-01-13. Review status: criteria provided, single submitter. Criteria: Invitae Variant Classification Sherloc (09022015). Collection method: clinical testing. Allele origin: germline.
Comment: This sequence change replaces glycine, which is neutral and non-polar, with arginine, which is basic and polar, at codon 2812 of the BRCA2 protein (p.Gly2812Arg). This variant is not present in population databases (gnomAD no frequency). This variant has not been reported in the literature in individuals affected with BRCA2-related conditions. ClinVar contains an entry for this variant (Variation ID: 531280). Advanced modeling of protein sequence and biophysical properties (such as structural, functional, and spatial information, amino acid conservation, physicochemical variation, residue mobility, and thermodynamic stability) has been performed at Invitae for this missense variant, however the output from this modeling did not meet the statistical confidence thresholds required to predict the impact of this variant on BRCA2 protein function. In summary, the available evidence is currently insufficient to determine the role of this variant in disease. Therefore, it has been classified as a Variant of Uncertain Significance.

Department of Pathology and Laboratory Medicine, Sinai Health System
Classification: Uncertain significance for BRCA2-related cancer predisposition. Last evaluated: 2020-01-06. Review status: criteria provided, single submitter. Criteria: ACMG Guidelines, 2015. Collection method: clinical testing. Allele origin: germline.

NM_000059.4(BRCA2):c.8434G>A (p.Gly2812Arg)

Gene: BRCA2 (BRCA2 DNA repair associated; plus strand). Cytogenetic location: 13q13.1.
Variant type: single nucleotide variant.
Coding change: c.8434G>A on transcript NM_000059.4 (MANE Select); coding-DNA position 8434, G replaced by A.
Protein change: p.Gly2812Arg; replaces glycine 2812 with arginine.
Molecular consequence: missense variant.
Genome position (GRCh38, 1-based): chr13:32,370,504, G>A. VCF-style: chr13-32370504-G-A. GRCh37 (hg19) VCF-style: chr13-32944641-G-A.
Other names: short protein forms G2812R.
Identifiers: ClinVar variation 531280 (VCV000531280.13), dbSNP rs1555287645, ClinGen allele CA387752553.